The following is an entry in ClinVar:

ClinVar aggregate classification (germline): Pathogenic (1 of 4 stars; one submission).

Allele frequency attached by ClinVar (database versions not stated): gnomAD exomes below 0.00001.
gnomAD v4.1: 1 of 1,568,390 alleles (0.000064%); highest among the groups gnomAD compares: Non-Finnish European, 0.000086%; no homozygotes.

Submission:

GeneDx
Classification: Pathogenic. Last evaluated: 2018-11-21. Review status: criteria provided, single submitter. Criteria: GeneDx Variant Classification (06012015). Collection method: clinical testing. Allele origin: germline. Affected: yes.
Comment: The Q461X variant in the EPG5 gene has not been reported previously as a pathogenic variant nor as a benign variant, to our knowledge. This variant is predicted to cause loss of normal protein function either through protein truncation or nonsense-mediated mRNA decay. The Q461X variant is not observed in large population cohorts (Lek et al., 2016). We interpret Q461X as a pathogenic variant.

NM_020964.3(EPG5):c.1381C>T (p.Gln461Ter)

Genes: EPG5 (ectopic P-granules 5 autophagy tethering factor; minus strand), LOC126862737 (P300/CBP strongly-dependent group 1 enhancer GRCh37_chr18:43530707-43531906; plus strand). Cytogenetic location: 18q21.1.
Variant type: single nucleotide variant.
Coding change: c.1381C>T on transcript NM_020964.3 (MANE Select); coding-DNA position 1381, C replaced by T.
Protein change: p.Gln461Ter; replaces glutamine 461 with a stop codon.
Molecular consequence: nonsense.
Genome position (GRCh38, 1-based): chr18:45,951,110, G>A on the plus strand (C>T on the coding strand, the complement: EPG5 is on the minus strand). VCF-style: chr18-45951110-G-A. GRCh37 (hg19) VCF-style: chr18-43531076-G-A.
Other names: c.1381C>T, p.Gln461Ter (LRG_1234t1); short protein forms Q461*.
Identifiers: ClinVar variation 620484 (VCV000620484.1), dbSNP rs1568183567, ClinGen allele CA402349504.
Genomic context (GRCh38, chr18:45,951,110, plus strand): 5'-AATTATGAAAGAAATAAAACAAAGACTACTGTGTCTATCTCTGTCCCCTTACCAATTTCT[G>A]CAGCCAGAGAAGAATATCATCATGAAACTGAGTATCTTCATTAACTCTCCTGGTGAACAT-3'